The following is an entry in ClinVar:

NM_005188.4(CBL):c.516A>G (p.Gly172=)

Gene: CBL (Cbl proto-oncogene; plus strand). Cytogenetic location: 11q23.3.
Variant type: single nucleotide variant.
Coding change: c.516A>G on transcript NM_005188.4 (MANE Select); coding-DNA position 516, A replaced by G.
Protein change: p.Gly172=; no amino-acid change (glycine 172 retained).
Molecular consequence: synonymous variant.
Genome position (GRCh38, 1-based): chr11:119,271,807, A>G. VCF-style: chr11-119271807-A-G. GRCh37 (hg19) VCF-style: chr11-119142517-A-G.
Other names: c.516A>G (NM_005188.3).
Identifiers: ClinVar variation 1603904 (VCV001603904.18), dbSNP rs765968487, ClinGen allele CA6318283.

ClinVar aggregate classification (germline): Likely benign. Review status: criteria provided, multiple submitters, no conflicts (2 of 4 stars). 4 submissions from 4 submitters: Likely benign (4). Last evaluated 2026-01-04.

Conditions:
Cardiovascular phenotype. Identifiers: MedGen CN230736.
RASopathy. Also called: rasopathies; Noonan spectrum disorder. Identifiers: Orphanet 536391, MedGen C5555857, MONDO:0021060.

Allele frequency attached by ClinVar (database versions not stated): ExAC 0.00002; gnomAD exomes 0.00003.
gnomAD v4.1: 25 of 1,613,760 alleles (0.0015%); highest among the groups gnomAD compares: African/African-American, 0.023%; no homozygotes.

Submissions (4):

Labcorp Genetics (formerly Invitae), Labcorp
Classification: Likely benign for RASopathy. Last evaluated: 2026-01-04. Review status: criteria provided, single submitter. Criteria: Invitae Variant Classification Sherloc (09022015). Collection method: clinical testing. Allele origin: germline.

CeGaT Center for Human Genetics Tuebingen
Classification: Likely benign. Last evaluated: 2025-09-01. Review status: criteria provided, single submitter. Criteria: CeGaT Center For Human Genetics Tuebingen Variant Classification Criteria Version 2. Collection method: clinical testing. Allele origin: germline. Affected: yes. Observed: 1 variant allele.
Comment: CBL: BP4, BP7

Women's Health and Genetics/Laboratory Corporation of America, LabCorp
Classification: Likely benign. Last evaluated: 2023-05-22. Review status: criteria provided, single submitter. Criteria: LabCorp Variant Classification Summary - May 2015. Collection method: clinical testing. Allele origin: germline.

Ambry Genetics
Classification: Likely benign for Cardiovascular phenotype. Last evaluated: 2019-05-16. Review status: criteria provided, single submitter. Criteria: Ambry Variant Classification Scheme 2023. Collection method: clinical testing. Allele origin: germline.